The following is an entry in ClinVar:

ClinVar aggregate classification (germline): Uncertain significance (1 of 4 stars; one submission).

Conditions:
Hypertrophic cardiomyopathy. Also called: HYPERTROPHIC MYOCARDIOPATHY. Identifiers: Orphanet 217569, MedGen C0007194, MeSH D002312, MONDO:0005045, HP:0001639.

Allele frequency attached by ClinVar (database versions not stated): gnomAD exomes below 0.00001.
gnomAD v4.1: 1 of 1,614,130 alleles (0.000062%); highest among the groups gnomAD compares: Admixed American, 0.0017%; no homozygotes.

Submission:

Labcorp Genetics (formerly Invitae), Labcorp
Classification: Uncertain significance for Hypertrophic cardiomyopathy. Last evaluated: 2021-08-15. Review status: criteria provided, single submitter. Criteria: Invitae Variant Classification Sherloc (09022015). Collection method: clinical testing. Allele origin: germline.
Comment: In summary, the available evidence is currently insufficient to determine the role of this variant in disease. Therefore, it has been classified as a Variant of Uncertain Significance. Algorithms developed to predict the effect of missense changes on protein structure and function are either unavailable or do not agree on the potential impact of this missense change (SIFT: "Deleterious"; PolyPhen-2: "Benign"; Align-GVGD: "Class C0"). This variant has not been reported in the literature in individuals affected with MYH7-related conditions. This variant is not present in population databases (ExAC no frequency). This sequence change replaces methionine with isoleucine at codon 90 of the MYH7 protein (p.Met90Ile). The methionine residue is highly conserved and there is a small physicochemical difference between methionine and isoleucine.

NM_000257.4(MYH7):c.270G>A (p.Met90Ile)

Gene: MYH7 (myosin heavy chain 7; minus strand). Cytogenetic location: 14q11.2.
Variant type: single nucleotide variant.
Coding change: c.270G>A on transcript NM_000257.4 (MANE Select); coding-DNA position 270, G replaced by A.
Protein change: p.Met90Ile; replaces methionine 90 with isoleucine.
Molecular consequence: missense variant.
Genome position (GRCh38, 1-based): chr14:23,433,159, C>T on the plus strand (G>A on the coding strand, the complement: MYH7 is on the minus strand). VCF-style: chr14-23433159-C-T. GRCh37 (hg19) VCF-style: chr14-23902368-C-T.
Other names: short protein forms M90I.
Identifiers: ClinVar variation 1375207 (VCV001375207.6), dbSNP rs2138685634, ClinGen allele CA389053283.